The following is an entry in ClinVar:

NM_000059.4(BRCA2):c.5923T>C (p.Cys1975Arg)

Gene: BRCA2 (BRCA2 DNA repair associated; plus strand). Cytogenetic location: 13q13.1.
Variant type: single nucleotide variant.
Coding change: c.5923T>C on transcript NM_000059.4 (MANE Select); coding-DNA position 5923, T replaced by C.
Protein change: p.Cys1975Arg; replaces cysteine 1975 with arginine.
Molecular consequence: missense variant.
Genome position (GRCh38, 1-based): chr13:32,340,278, T>C. VCF-style: chr13-32340278-T-C. GRCh37 (hg19) VCF-style: chr13-32914415-T-C.
Other names: short protein forms C1975R.
Identifiers: ClinVar variation 479350 (VCV000479350.14), dbSNP rs1555284462, ClinGen allele CA387787537.
Genomic context (GRCh38, chr13:32,340,278, plus strand): 5'-TCAGATATATGTAAATGTAGTATAGGGAAGCTTCATAAGTCAGTCTCATCTGCAAATACT[T>C]GTGGGATTTTTAGCACAGCAAGTGGAAAATCTGTCCAGGTATCAGATGCTTCATTACAAA-3'
Protein context (NP_000050.3, residues 1965-1985): LHKSVSSANT[Cys1975Arg]GIFSTASGKS

ClinVar aggregate classification (germline): Conflicting classifications of pathogenicity. Review status: criteria provided, conflicting classifications (1 of 4 stars). 3 submissions from 3 submitters: Uncertain significance (2); Likely benign (1). Last evaluated 2023-03-23.

Conditions:
Hereditary breast ovarian cancer syndrome. Also called: Hereditary breast and ovarian cancer syndrome (HBOC); Hereditary breast and ovarian cancer syndrome; Breast and ovarian cancer; BRCA1- and BRCA2-Associated Hereditary Breast and Ovarian Cancer; Hereditary breast and ovarian cancer; Hereditary breast and/or ovarian cancer syndrome. Identifiers: Orphanet 145, MedGen C0677776, MeSH D061325, MONDO:0003582. Disease mechanism: loss of function.
Hereditary cancer-predisposing syndrome. Also called: Neoplastic Syndromes, Hereditary; Hereditary Cancer Syndrome; Hereditary neoplastic syndrome; Tumor predisposition. Identifiers: Orphanet 140162, MedGen C0027672, MeSH D009386, MONDO:0015356.

Submissions (3):

University of Washington Department of Laboratory Medicine, University of Washington
Classification: Likely benign for Hereditary cancer-predisposing syndrome. Last evaluated: 2023-03-23. Review status: criteria provided, single submitter. Criteria: Dines et al. (Genet Med. 2020). Collection method: curation. Allele origin: germline.
Comment: Missense variant in a coldspot region where missense variants are very unlikely to be pathogenic (PMID:31911673).

BRCA2 exon 11 coldspot. Reclassification based on statistical prior probability.

Labcorp Genetics (formerly Invitae), Labcorp
Classification: Uncertain significance for Hereditary breast ovarian cancer syndrome. Last evaluated: 2021-04-16. Review status: criteria provided, single submitter. Criteria: Invitae Variant Classification Sherloc (09022015). Collection method: clinical testing. Allele origin: germline.
Comment: In summary, the available evidence is currently insufficient to determine the role of this variant in disease. Therefore, it has been classified as a Variant of Uncertain Significance. Advanced modeling of protein sequence and biophysical properties (such as structural, functional, and spatial information, amino acid conservation, physicochemical variation, residue mobility, and thermodynamic stability) performed at Invitae indicates that this missense variant is not expected to disrupt BRCA2 protein function. This variant has not been reported in the literature in individuals with BRCA2-related conditions. ClinVar contains an entry for this variant (Variation ID: 479350). This variant is not present in population databases (ExAC no frequency). This sequence change replaces cysteine with arginine at codon 1975 of the BRCA2 protein (p.Cys1975Arg). The cysteine residue is weakly conserved and there is a large physicochemical difference between cysteine and arginine.

Ambry Genetics
Classification: Uncertain significance for Hereditary cancer-predisposing syndrome. Last evaluated: 2016-09-16. Review status: criteria provided, single submitter. Criteria: Ambry Variant Classification Scheme 2023. Collection method: clinical testing. Allele origin: germline.
Comment: The p.C1975R variant (also known as c.5923T>C), located in coding exon 10 of the BRCA2 gene, results from a T to C substitution at nucleotide position 5923. The cysteine at codon 1975 is replaced by arginine, an amino acid with highly dissimilar properties. This variant was not reported in population based cohorts in the following databases: Database of Single Nucleotide Polymorphisms (dbSNP), NHLBI Exome Sequencing Project (ESP), and 1000 Genomes Project. In the ESP, this variant was not observed in 6503 samples (13006 alleles) with coverage at this position. To date, this alteration has been detected with an allele frequency of approximately 0.0003% (greater than 300000 alleles tested) in our clinical cohort. This amino acid position is not well conserved in available vertebrate species. In addition, the in silico prediction for this alteration is inconclusive. Since supporting evidence is limited at this time, the clinical significance of this alteration remains unclear.